The following is an entry in ClinVar:

NM_001130698.2(TRPC3):c.609C>A (p.Ser203Arg)

Gene: TRPC3 (transient receptor potential cation channel subfamily C member 3; minus strand). Cytogenetic location: 4q27.
Variant type: single nucleotide variant.
Coding change: c.609C>A on transcript NM_001130698.2 (MANE Select); coding-DNA position 609, C replaced by A.
Protein change: p.Ser203Arg; replaces serine 203 with arginine.
Molecular consequence: missense variant.
Genome position (GRCh38, 1-based): chr4:121,932,649, G>T on the plus strand (C>A on the coding strand, the complement: TRPC3 is on the minus strand). VCF-style: chr4-121932649-G-T. GRCh37 (hg19) VCF-style: chr4-122853804-G-T.
Other names: c.609C>A, p.Ser203Arg (NM_001366479.2); c.390C>A, p.Ser130Arg (NM_003305.2); short protein forms S130R, S203R.
Identifiers: ClinVar variation 4797527 (VCV004797527.1).
Genomic context (GRCh38, chr4:121,932,649, plus strand): 5'-GTAAGCGTAGAAGTCGTCGTCCTGCAGCTCCTGCTCACAGGGGCTCAGAGTGAGACGCTT[G>T]CTGGCCGCGAAGCCAGGGTGGTTGAGGATGGCCTCTACGATGCGCACGTAGCCCTTGCTG-3'
Protein context (NP_001124170.1, residues 193-213): AILNHPGFAA[Ser203Arg]KRLTLSPCEQ

ClinVar aggregate classification (germline): Uncertain significance (1 of 4 stars; one submission).

gnomAD v4.1: 18 of 1,612,396 alleles (0.0011%); highest among the groups gnomAD compares: Non-Finnish European, 0.00068%; no homozygotes.

Submission:

Labcorp Genetics (formerly Invitae), Labcorp
Classification: Uncertain significance. Last evaluated: 2025-10-02. Review status: criteria provided, single submitter. Criteria: Invitae Variant Classification Sherloc (09022015). Collection method: clinical testing. Allele origin: germline.
Comment: This sequence change replaces serine, which is neutral and polar, with arginine, which is basic and polar, at codon 203 of the TRPC3 protein (p.Ser203Arg). This variant is present in population databases (rs752452853, gnomAD 0.02%). This variant has not been reported in the literature in individuals affected with TRPC3-related conditions. Invitae Evidence Modeling of protein sequence and biophysical properties (such as structural, functional, and spatial information, amino acid conservation, physicochemical variation, residue mobility, and thermodynamic stability) indicates that this missense variant is not expected to disrupt TRPC3 protein function with a negative predictive value of 80%. In summary, the available evidence is currently insufficient to determine the role of this variant in disease. Therefore, it has been classified as a Variant of Uncertain Significance.